The following is an entry in ClinVar:

NM_133443.4(GPT2):c.518G>C (p.Gly173Ala)

Gene: GPT2 (glutamic--pyruvic transaminase 2; plus strand). Cytogenetic location: 16q11.2.
Variant type: single nucleotide variant.
Coding change: c.518G>C on transcript NM_133443.4 (MANE Select); coding-DNA position 518, G replaced by C.
Protein change: p.Gly173Ala; replaces glycine 173 with alanine.
Molecular consequence: missense variant.
Genome position (GRCh38, 1-based): chr16:46,906,917, G>C. VCF-style: chr16-46906917-G-C. GRCh37 (hg19) VCF-style: chr16-46940829-G-C.
Other names: c.218G>C, p.Gly73Ala (NM_001142466.3); short protein forms G173A, G73A.
Identifiers: ClinVar variation 3254778 (VCV003254778.1), dbSNP rs1960942824.
Genomic context (GRCh38, chr16:46,906,917, plus strand): 5'-GCCAGGGTGTCAACTGCATCCGTGAAGATGTGGCTGCCTACATCACCAGGAGGGATGGCG[G>C]TGTGCCTGCGGACCCCGACAACATCTACCTGACCACGGGAGCTAGTGACGGCATTTCTGT-3'
Protein context (NP_597700.1, residues 163-183): VAAYITRRDG[Gly173Ala]VPADPDNIYL

ClinVar aggregate classification (germline): Uncertain significance (1 of 4 stars; one submission).

Conditions:
Glutamate pyruvate transaminase 2 deficiency (NEDSPM). Also called: Neurodevelopmental disorder with microcephaly and spastic paraplegia. Identifiers: Orphanet 477673, MedGen C4225388, MONDO:0014567, OMIM 616281.

Submission:

Victorian Clinical Genetics Services, Murdoch Childrens Research Institute
Classification: Uncertain significance for Glutamate pyruvate transaminase 2 deficiency. Last evaluated: 2023-12-20. Review status: criteria provided, single submitter. Criteria: ACMG Guidelines, 2015. Collection method: clinical testing. Allele origin: germline. Inheritance: Autosomal recessive inheritance. Affected: yes.
Comment: Based on the classification scheme VCGS_Germline_v1.3.4, this variant is classified as VUS-3B. Following criteria are met: 0102 - Loss of function is a known mechanism of disease in this gene and is associated with neurodevelopmental disorder with microcephaly and spastic paraplegia (MIM#616281). (I) 0106 - This gene is associated with autosomal recessive disease. (I) 0200 - Variant is predicted to result in a missense amino acid change from glycine to alanine. (I) 0251 - This variant is heterozygous. (I) 0301 - Variant is absent from gnomAD (both v2 and v3). (SP) 0309 - Multiple alternative amino acid changes at the same position have been observed in gnomAD (highest allele count (v2): 24 heterozygotes, 0 homozygotes). (I) 0502 - Missense variant with conflicting in silico predictions and uninformative conservation. (I) 0600 - Variant is located in the annotated aminotransferase class I and II domain (DECIPHER). (I) 0705 - No comparable missense variants have previous evidence for pathogenicity. (I) 0807 - This variant has no previous evidence of pathogenicity. (I) 0905 - No published segregation evidence has been identified for this variant. (I) 1007 - No published functional evidence has been identified for this variant. (I) Legend: (SP) - Supporting pathogenic, (I) - Information, (SB) - Supporting benign